The following is an entry in ClinVar:

NM_000744.7(CHRNA4):c.384-232ACGTGG[3]

Gene: CHRNA4 (cholinergic receptor nicotinic alpha 4 subunit; minus strand). Cytogenetic location: 20q13.33.
Variant type: Microsatellite.
Coding change: c.384-232ACGTGG[3] on transcript NM_000744.7 (MANE Select); three copies in a row of the 6-base unit ACGTGG starting at c.384-232; the reference has four copies in a row; one copy, 6 bases deleted.
Molecular consequence: intron variant.
Genome position (GRCh38, 1-based): chr20:63,351,236-63,351,241, CCACGT deleted on the plus strand (ACGTGG on the coding strand, the reverse complement: CHRNA4 is on the minus strand); deleting any 6 consecutive bases within chr20:63,351,236-63,351,263 gives the same sequence; the position shown is the placement nearest the transcript's 3' end. VCF-style (leftmost placement, unchanged base first): chr20-63351235-CCCACGT-C. GRCh37 (hg19) VCF-style: chr20-61982587-CCCACGT-C.
Other names: c.-145-232ACGTGG[3] (NM_001256573.2).
Identifiers: ClinVar variation 676675 (VCV000676675.1), dbSNP rs1279429508, ClinGen allele CA636613812.

ClinVar aggregate classification (germline): Likely benign (1 of 4 stars; one submission).

Submission:

GeneDx
Classification: Likely benign. Last evaluated: 2018-06-14. Review status: criteria provided, single submitter. Criteria: GeneDx Variant Classification (06012015). Collection method: clinical testing. Allele origin: germline. Affected: yes.
Comment: This variant is considered likely benign or benign based on one or more of the following criteria: it is a conservative change, it occurs at a poorly conserved position in the protein, it is predicted to be benign by multiple in silico algorithms, and/or has population frequency not consistent with disease.